The following is an entry in ClinVar:

ClinVar aggregate classification (germline): Uncertain significance. Review status: criteria provided, multiple submitters, no conflicts (2 of 4 stars). 3 submissions from 3 submitters: Uncertain significance (3). Last evaluated 2024-07-16.

Conditions:
Otitis media, susceptibility to (OMS). Also called: OTITIS MEDIA, CHRONIC/RECURRENT; COME/ROM. Identifiers: MedGen C1833692, MONDO:0008162, OMIM 166760.

gnomAD v4.1: 1 of 1,609,440 alleles (0.000062%); highest among the groups gnomAD compares: Admixed American, 0.0017%; no homozygotes.

Submissions (3):

Ambry Genetics
Classification: Uncertain significance. Last evaluated: 2024-07-16. Review status: criteria provided, single submitter. Criteria: Ambry Variant Classification Scheme 2023. Collection method: clinical testing. Allele origin: germline.

Labcorp Genetics (formerly Invitae), Labcorp
Classification: Uncertain significance. Last evaluated: 2023-08-04. Review status: criteria provided, single submitter. Criteria: Invitae Variant Classification Sherloc (09022015). Collection method: clinical testing. Allele origin: germline.
Comment: In summary, the available evidence is currently insufficient to determine the role of this variant in disease. Therefore, it has been classified as a Variant of Uncertain Significance. An algorithm developed to predict the effect of missense changes on protein structure and function (PolyPhen-2) suggests that this variant is likely to be tolerated. ClinVar contains an entry for this variant (Variation ID: 1374963). This variant has not been reported in the literature in individuals affected with A2ML1-related conditions. This variant is not present in population databases (gnomAD no frequency). This sequence change replaces glycine, which is neutral and non-polar, with valine, which is neutral and non-polar, at codon 886 of the A2ML1 protein (p.Gly886Val).

Fulgent Genetics
Classification: Uncertain significance for Otitis media, susceptibility to. Last evaluated: 2021-08-13. Review status: criteria provided, single submitter. Criteria: ACMG Guidelines, 2015. Collection method: clinical testing. Allele origin: unknown.

NM_144670.6(A2ML1):c.2657G>T (p.Gly886Val)

Gene: A2ML1 (alpha-2-macroglobulin like 1; plus strand). Cytogenetic location: 12p13.31.
Variant type: single nucleotide variant.
Coding change: c.2657G>T on transcript NM_144670.6 (MANE Select); coding-DNA position 2657, G replaced by T.
Protein change: p.Gly886Val; replaces glycine 886 with valine.
Molecular consequence: missense variant.
Genome position (GRCh38, 1-based): chr12:8,854,194, G>T. VCF-style: chr12-8854194-G-T. GRCh37 (hg19) VCF-style: chr12-9006790-G-T.
Other names: c.2657G>T (NM_144670.3); c.1184G>T, p.Gly395Val (NM_001282424.3); short protein forms G886V, G395V.
Identifiers: ClinVar variation 1374963 (VCV001374963.8), dbSNP rs2136894252, ClinGen allele CA383834782.
Genomic context (GRCh38, chr12:8,854,194, plus strand): 5'-TTAACTTTACTATTAGTACAAAGATTCTGGACAGCAATGAACCATGTGGGGGCCAGAAGG[G>T]GTTTGTTCCCCAAAAGGGCCGAAGTGACACGCTCATCAAGCCAGTTCTCGTCAAAGTGAG-3'
Protein context (NP_653271.3, residues 876-896): DSNEPCGGQK[Gly886Val]FVPQKGRSDT